The following is an entry in ClinVar:

ClinVar aggregate classification (germline): Conflicting classifications of pathogenicity. Review status: criteria provided, conflicting classifications (1 of 4 stars). 3 submissions from 3 submitters: Likely pathogenic (1); Uncertain significance (2). Last evaluated 2025-11-21.

Conditions:
Cardiovascular phenotype. Identifiers: MedGen CN230736.
Dilated cardiomyopathy 1DD (CMD1DD). Identifiers: Orphanet 154, MedGen C2750995, MONDO:0013168, OMIM 613172.

Submissions (3):

Labcorp Genetics (formerly Invitae), Labcorp
Classification: Likely pathogenic for Dilated cardiomyopathy 1DD. Last evaluated: 2025-11-21. Review status: criteria provided, single submitter. Criteria: Invitae Variant Classification Sherloc (09022015). Collection method: clinical testing. Allele origin: germline.
Comment: This sequence change affects a splice site in intron 5 of the RBM20 gene. It is expected to disrupt RNA splicing. Variants that disrupt the donor or acceptor splice site typically lead to a loss of protein function (PMID: 16199547), and loss-of-function variants in RBM20 are known to be pathogenic (PMID: 20590677, 22004663, 38288598, 38510713, 40339755). This variant is not present in population databases (gnomAD no frequency). This variant has not been reported in the literature in individuals affected with RBM20-related conditions. ClinVar contains an entry for this variant (Variation ID: 432493). Algorithms developed to predict the effect of sequence changes on RNA splicing suggest that this variant may disrupt the consensus splice site. In summary, the currently available evidence indicates that the variant is pathogenic, but additional data are needed to prove that conclusively. Therefore, this variant has been classified as Likely Pathogenic.

Ambry Genetics
Classification: Uncertain significance for Cardiovascular phenotype. Last evaluated: 2025-04-16. Review status: criteria provided, single submitter. Criteria: Ambry Variant Classification Scheme 2023. Collection method: clinical testing. Allele origin: germline.
Comment: The c.1527+2delT intronic variant, located in intron 5 of the RBM20 gene, results from a deletion of one nucleotide within intron 5 of the RBM20 gene. This nucleotide position is highly conserved in available vertebrate species. In silico splice site analysis predicts that this alteration will weaken the native splice donor site. Based on the available evidence, the clinical significance of this variant remains unclear.

GeneDx
Classification: Uncertain significance. Last evaluated: 2017-06-07. Review status: criteria provided, single submitter. Criteria: GeneDx Variant Classification (06012015). Collection method: clinical testing. Allele origin: germline. Affected: yes.
Comment: A variant of uncertain significance has been identified in the RBM20 gene. The c.1527+2delT variant has not beenpublished as pathogenic or been reported as benign to our knowledge. This variant is not observed in largepopulation cohorts (Lek et al., 2016; 1000 Genomes Consortium et al., 2015; Exome Variant Server). Thec.1527+2delT variant results in a single nucleotide deletion within the splice donor site in intron 5, which ispredicted to destroy the canonical donor site and may cause abnormal gene splicing. However, in the absence offunctional mRNA studies, the physiological consequence of this variant cannot be precisely determined. Additionally,other splice site variants in the RBM20 gene have not been reported in the Human Gene Mutation Database (Stensonet al., 2014).

Literature cited by the submitters: PubMed 16199547 (cited by Labcorp Genetics (formerly Invitae), Labcorp); PubMed 20590677 (cited by Labcorp Genetics (formerly Invitae), Labcorp); PubMed 22004663 (cited by Labcorp Genetics (formerly Invitae), Labcorp); PubMed 38288598 (cited by Labcorp Genetics (formerly Invitae), Labcorp); PubMed 38510713 (cited by Labcorp Genetics (formerly Invitae), Labcorp); PubMed 40339755 (cited by Labcorp Genetics (formerly Invitae), Labcorp).

NM_001134363.3(RBM20):c.1527+2del

Gene: RBM20 (RNA binding motif protein 20; plus strand). Cytogenetic location: 10q25.2.
Variant type: Deletion.
Coding change: c.1527+2del on transcript NM_001134363.3 (MANE Select); the canonical splice donor site of the intron after coding-DNA position 1527, one base deleted (T; older notation c.1527+2delT).
Molecular consequence: splice donor variant.
Genome position (GRCh38, 1-based): chr10:110,784,891, T deleted. VCF-style (leftmost placement, unchanged base first): chr10-110784890-GT-G. GRCh37 (hg19) VCF-style: chr10-112544648-GT-G.
Identifiers: ClinVar variation 432493 (VCV000432493.5), dbSNP rs1554899451, ClinGen allele CA645372505.